The following is an entry in ClinVar:

NM_003107.3(SOX4):c.466G>C (p.Asp156His)

Gene: SOX4 (SRY-box transcription factor 4; plus strand). Cytogenetic location: 6p22.3.
Variant type: single nucleotide variant.
Coding change: c.466G>C on transcript NM_003107.3 (MANE Select); coding-DNA position 466, G replaced by C.
Protein change: p.Asp156His; replaces aspartic acid 156 with histidine.
Molecular consequence: missense variant.
Genome position (GRCh38, 1-based): chr6:21,595,000, G>C. VCF-style: chr6-21595000-G-C. GRCh37 (hg19) VCF-style: chr6-21595231-G-C.
Other names: short protein forms D156H.
Identifiers: ClinVar variation 873506 (VCV000873506.4), dbSNP rs1308791971, ClinGen allele CA363270664.

ClinVar aggregate classification (germline): Uncertain significance (1 of 4 stars; one submission).

Conditions:
SOX4-related neurodevelopmental disorder.

Allele frequency attached by ClinVar (database versions not stated): TOPMed 0.00001 and 0.00002.

Submission:

Illumina Laboratory Services, Illumina
Classification: Uncertain significance for SOX4-related neurodevelopmental disorder. Last evaluated: 2020-01-28. Review status: criteria provided, single submitter. Criteria: ICSLVariantClassificationCriteria RUGD 01 April 2020. Collection method: clinical testing. Allele origin: unknown.
Comment: The SOX4 c.466G>C (p.Asp156His) variant is a missense variant. A literature search was performed for the gene, cDNA change, and amino acid change. No publications were found based on this search. This variant is reported at a frequency of 0.000013 in the European (non-Finnish) population of the Genome Aggregation Database, though this is based on one allele in a region of good genome sequence coverage so the variant is presumed to be rare. Based on the limited evidence, the p.Asp156His variant is classified as a variant of unknown significance for SOX4-related neurodevelopmental disorder.

Literature cited by the submitters: PubMed 30661772.